The following is an entry in ClinVar:

ClinVar aggregate classification (germline): Uncertain significance (1 of 4 stars; one submission).

Conditions:
Ehlers-Danlos syndrome, type 4 (EDSVASC). Also called: Ehlers-Danlos Syndrome Type IV; Ehlers-Danlos syndrome vascular type; Ehlers Danlos syndrome, ecchymotic type; Ehlers Danlos syndrome, arterial type; Ehlers Danlos syndrome, Sack-Barabas type. Identifiers: Orphanet 286, MedGen C0268338, MONDO:0017314, OMIM 130050.

Submission:

All of Us Research Program, National Institutes of Health
Classification: Uncertain significance for Ehlers-Danlos syndrome, type 4. Last evaluated: 2023-08-15. Review status: criteria provided, single submitter. Criteria: ACMG Guidelines, 2015. Collection method: clinical testing. Allele origin: germline. Inheritance: Autosomal dominant inheritance. Observed: 1 variant allele, 1 heterozygote.
Comment: This variant causes a T to A nucleotide substitution at the -4 position of intron 34 of the COL3A1 gene. To our knowledge, functional studies have not been reported for this variant. This variant has not been reported in individuals affected with COL3A1-related disorders in the literature. This variant has not been identified in the general population by the Genome Aggregation Database (gnomAD). The available evidence is insufficient to determine the role of this variant in disease conclusively. Therefore, this variant is classified as a Variant of Uncertain Significance.

This study involves interpretation of variants in research participants for the purpose of population health screening. Participant phenotype was not available at the time of variant classification. Additional details can be found in publication PMID: 35346344, PMCID: PMC8962531

NM_000090.4(COL3A1):c.2392-4T>A

Genes: COL3A1 (collagen type III alpha 1 chain; plus strand), LOC126806446 (P300/CBP strongly-dependent group 1 enhancer GRCh37_chr2:189866210-189867409; plus strand). Cytogenetic location: 2q32.2.
Variant type: single nucleotide variant.
Coding change: c.2392-4T>A on transcript NM_000090.4 (MANE Select); 4 bases into the intron before coding-DNA position 2392, T replaced by A.
Molecular consequence: intron variant.
Genome position (GRCh38, 1-based): chr2:189,002,294, T>A. VCF-style: chr2-189002294-T-A. GRCh37 (hg19) VCF-style: chr2-189867020-T-A.
Identifiers: ClinVar variation 3072865 (VCV003072865.1), dbSNP rs2469149341, ClinGen allele CA2753571834.
Genomic context (GRCh38, chr2:189,002,294, plus strand): 5'-ATTTCCTGCCTAAAGGAGATGACGCACACTTCACTGTGACTAAGGAGGATATTTTTCTCT[T>A]CAGGGTGAGAGAGGTGAAACTGGCCCTCCAGGACCTGCTGGTTTCCCTGGTGCTCCTGTA-3'